The following is an entry in ClinVar:

ClinVar aggregate classification (germline): Uncertain significance (1 of 4 stars; one submission).

Allele frequency attached by ClinVar (database versions not stated): TOPMed 0.00001.
gnomAD v4.1: 12 of 1,614,046 alleles (0.00074%); highest among the groups gnomAD compares: Non-Finnish European, 0.001%; no homozygotes.

Submission:

Labcorp Genetics (formerly Invitae), Labcorp
Classification: Uncertain significance. Last evaluated: 2026-01-11. Review status: criteria provided, single submitter. Criteria: Invitae Variant Classification Sherloc (09022015). Collection method: clinical testing. Allele origin: germline.
Comment: This sequence change replaces proline, which is neutral and non-polar, with leucine, which is neutral and non-polar, at codon 96 of the RFWD3 protein (p.Pro96Leu). This variant is not present in population databases (gnomAD no frequency). This variant has not been reported in the literature in individuals affected with RFWD3-related conditions. ClinVar contains an entry for this variant (Variation ID: 2776595). An algorithm developed to predict the effect of missense changes on protein structure and function (PolyPhen-2) suggests that this variant is likely to be disruptive. In summary, the available evidence is currently insufficient to determine the role of this variant in disease. Therefore, it has been classified as a Variant of Uncertain Significance.

NM_018124.4(RFWD3):c.287C>T (p.Pro96Leu)

Gene: RFWD3 (ring finger and WD repeat domain 3; minus strand). Cytogenetic location: 16q23.1.
Variant type: single nucleotide variant.
Coding change: c.287C>T on transcript NM_018124.4 (MANE Select); coding-DNA position 287, C replaced by T.
Protein change: p.Pro96Leu; replaces proline 96 with leucine.
Molecular consequence: missense variant. On other transcripts: 5 prime UTR variant (4), intron variant (1).
Genome position (GRCh38, 1-based): chr16:74,661,163, G>A on the plus strand (C>T on the coding strand, the complement: RFWD3 is on the minus strand). VCF-style: chr16-74661163-G-A. GRCh37 (hg19) VCF-style: chr16-74695061-G-A.
Other names: c.287C>T, p.Pro96Leu (NM_001370534.1, NM_001370535.1, NM_001370536.1); c.-722C>T (NM_001370537.1); c.-345C>T (NM_001370539.1, NM_001370541.1); c.-599C>T (NM_001370542.1); c.-477C>T (NM_001370543.1); c.-317+3461C>T (NM_001370540.1); short protein forms P96L.
Identifiers: ClinVar variation 2776595 (VCV002776595.3), dbSNP rs529414913, ClinGen allele CA396764232.